The following is an entry in ClinVar:

ClinVar aggregate classification (germline): Uncertain significance (1 of 4 stars; one submission).

Conditions:
Hereditary cancer-predisposing syndrome. Also called: Hereditary Cancer Syndrome; Neoplastic Syndromes, Hereditary; Tumor predisposition; Hereditary neoplastic syndrome. Identifiers: Orphanet 140162, MedGen C0027672, MeSH D009386, MONDO:0015356.

Submission:

Ambry Genetics
Classification: Uncertain significance for Hereditary cancer-predisposing syndrome. Last evaluated: 2026-07-07. Review status: criteria provided, single submitter. Criteria: Ambry Variant Classification Scheme 2023. Collection method: clinical testing. Allele origin: germline.
Comment: The p.D1190G variant (also known as c.3569A>G), located in coding exon 20 of the DICER1 gene, results from an A to G substitution at nucleotide position 3569. The aspartic acid at codon 1190 is replaced by glycine, an amino acid with similar properties. This amino acid position is conserved. In addition, the in silico prediction for this alteration is inconclusive. Based on the available evidence, the clinical significance of this variant remains unclear.

NM_177438.3(DICER1):c.3569A>G (p.Asp1190Gly)

Gene: DICER1 (dicer 1, ribonuclease III; minus strand). Cytogenetic location: 14q32.13.
Variant type: single nucleotide variant.
Coding change: c.3569A>G on transcript NM_177438.3 (MANE Select); coding-DNA position 3569, A replaced by G.
Protein change: p.Asp1190Gly; replaces aspartic acid 1190 with glycine.
Molecular consequence: missense variant. On other transcripts: non-coding transcript variant (6).
Genome position (GRCh38, 1-based): chr14:95,103,827, T>C on the plus strand (A>G on the coding strand, the complement: DICER1 is on the minus strand). VCF-style: chr14-95103827-T-C. GRCh37 (hg19) VCF-style: chr14-95570164-T-C.
Other names: c.3569A>G, p.Asp1190Gly (NM_001195573.1, NM_001271282.3, NM_001291628.2 and 12 more transcripts); c.3287A>G, p.Asp1096Gly (NM_001395686.1); c.3164A>G, p.Asp1055Gly (NM_001395687.1, NM_001395688.1, NM_001395689.1 and 2 more transcripts); c.3002A>G, p.Asp1001Gly (NM_001395691.1); c.1886A>G, p.Asp629Gly (NM_001395697.1); short protein forms D1096G, D1190G, D1001G, D629G, D1055G.
Identifiers: ClinVar variation 5035264 (VCV005035264.1).
Genomic context (GRCh38, chr14:95,103,827, plus strand): 5'-GGTATTTCCTGCTTGTAGTAATTTAGCTGATTTCCTTGGCAAAAGTCTCTGTTAGCTAAA[T>C]CATAACTGCCATTGGCGAGATTTTGATTGTAAGAAAGACCATTAATTGCTGTAAGATCTG-3'
Protein context (NP_803187.1, residues 1180-1200): YNQNLANGSY[Asp1190Gly]LANRDFCQGN